The following is an entry in ClinVar:

ClinVar aggregate classification (germline): Pathogenic/Likely pathogenic. Review status: criteria provided, multiple submitters, no conflicts (2 of 4 stars). 3 submissions from 3 submitters: Pathogenic (1); Likely pathogenic (2). Last evaluated 2025-03-17.

Conditions:
Metachromatic leukodystrophy (MLD). Also called: Cerebral sclerosis diffuse metachromatic form; Arylsulfatase A Deficiency; METACHROMATIC LEUKOENCEPHALOPATHY; SULFATIDE LIPIDOSIS; ARSA DEFICIENCY; CEREBROSIDE SULFATASE DEFICIENCY. Identifiers: Orphanet 512, MedGen C0023522, MONDO:0018868, OMIM 250100.
ARSA-related disorder. Also called: ARSA-related condition.

Allele frequency attached by ClinVar (database versions not stated): gnomAD exomes below 0.00001 and 0.00001; ExAC 0.00001.
gnomAD v4.1: 3 of 1,606,426 alleles (0.00019%); highest among the groups gnomAD compares: Non-Finnish European, 0.00026%; no homozygotes.

Submissions (3):

Labcorp Genetics (formerly Invitae), Labcorp
Classification: Likely pathogenic for Metachromatic leukodystrophy. Last evaluated: 2025-03-17. Review status: criteria provided, single submitter. Criteria: Invitae Variant Classification Sherloc (09022015). Collection method: clinical testing. Allele origin: germline.
Comment: This sequence change replaces cysteine, which is neutral and slightly polar, with arginine, which is basic and polar, at codon 490 of the ARSA protein (p.Cys490Arg). The frequency data for this variant in the population databases is considered unreliable, as metrics indicate poor data quality at this position in the gnomAD database. This missense change has been observed in individual(s) with metachromatic leukodystrophy (PMID: 12809637, 31186049). This variant is also known as T1462C, C488R and c.1469T>C, p.C490R. ClinVar contains an entry for this variant (Variation ID: 1410148). Invitae Evidence Modeling of protein sequence and biophysical properties (such as structural, functional, and spatial information, amino acid conservation, physicochemical variation, residue mobility, and thermodynamic stability) indicates that this missense variant is expected to disrupt ARSA protein function with a positive predictive value of 95%. Experimental studies have shown that this missense change affects ARSA function (PMID: 28762252). In summary, the currently available evidence indicates that the variant is pathogenic, but additional data are needed to prove that conclusively. Therefore, this variant has been classified as Likely Pathogenic.

GeneDx
Classification: Pathogenic. Last evaluated: 2024-12-31. Review status: criteria provided, single submitter. Criteria: GeneDx Variant Classification Process June 2021. Collection method: clinical testing. Allele origin: germline. Affected: yes.
Comment: Published functional studies found this variant is associated with significantly reduced enzyme activity (PMID: 28762252); Not observed at significant frequency in large population cohorts (gnomAD); In silico analysis supports that this missense variant has a deleterious effect on protein structure/function; Also known as p.(C488R); This variant is associated with the following publications: (PMID: 12809637, 12809638, 28762252, 31186049)

PreventionGenetics, part of Exact Sciences
Classification: Likely pathogenic for ARSA-related condition. Last evaluated: 2023-01-26. Review status: criteria provided, single submitter. Criteria: ACMG Guidelines, 2015. Collection method: clinical testing. Allele origin: germline.
Comment: The ARSA c.1468T>C variant is predicted to result in the amino acid substitution p.Cys490Arg. This variant is alternatively referred to as p.Cys488Arg using Legacy nomenclature. This variant has been reported in individuals with metachromatic leukodystrophy (Table 2, Family 10, Rafi et al. 2003. PubMed ID: 12809637; Table 2, Coulter-Mackie. 2003. PubMed ID: 12809638; Table S3, Böhringer et al. 2017. PubMed ID: 28762252; Table 1, Elgün et al. 2019. PubMed ID: 31186049 ). In vitro experimental studies suggest this variant leads to reduced ARSA activity (Figure 5, Böhringer et al. 2017. PubMed ID: 28762252). This variant is reported in 0.00094% of alleles in individuals of European (Non-Finnish) descent in gnomAD. This variant is interpreted as likely pathogenic.

Literature cited by the submitters: PubMed 12809637 (cited by Labcorp Genetics (formerly Invitae), Labcorp); PubMed 31186049 (cited by Labcorp Genetics (formerly Invitae), Labcorp); PubMed 28762252 (cited by Labcorp Genetics (formerly Invitae), Labcorp).

NM_000487.6(ARSA):c.1468T>C (p.Cys490Arg)

Gene: ARSA (arylsulfatase A; minus strand). Cytogenetic location: 22q13.33.
Variant type: single nucleotide variant.
Coding change: c.1468T>C on transcript NM_000487.6 (MANE Select); coding-DNA position 1468, T replaced by C.
Protein change: p.Cys490Arg; replaces cysteine 490 with arginine.
Molecular consequence: missense variant.
Genome position (GRCh38, 1-based): chr22:50,625,207, A>G on the plus strand (T>C on the coding strand, the complement: ARSA is on the minus strand). VCF-style: chr22-50625207-A-G. GRCh37 (hg19) VCF-style: chr22-51063635-A-G.
Other names: c.1468T>C (NM_000487.5); c.1468T>C, p.Cys490Arg (NM_001085425.3, NM_001085426.3, NM_001085427.3); c.1210T>C, p.Cys404Arg (NM_001085428.3, NM_001362782.2); short protein forms C490R, C404R.
Identifiers: ClinVar variation 1410148 (VCV001410148.7), dbSNP rs755974448, ClinGen allele CA10324722.